The following is an entry in ClinVar:

ClinVar aggregate classification (germline): Uncertain significance. Review status: criteria provided, multiple submitters, no conflicts (2 of 4 stars). 2 submissions from 2 submitters: Uncertain significance (2). Last evaluated 2024-05-24.

Conditions:
Leigh syndrome (NULS). Also called: Leigh's syndrome; Leigh Syndrome (mtDNA deletion); Leigh Disease; Subacute necrotizing encephalopathy; Necrotizing encephalopathy infantile subacute of Leigh; LEIGH SYNDROME, NUCLEAR. Identifiers: Orphanet 506, MedGen C2931891, MONDO:0009723, OMIM 256000.
Dilated cardiomyopathy 1GG (CMD1GG). Identifiers: Orphanet 154, MedGen C3150898, MONDO:0013339, OMIM 613642.
Mitochondrial complex II deficiency, nuclear type 1. Also called: SUCCINATE CoQ REDUCTASE DEFICIENCY. Identifiers: Orphanet 3208, MedGen C5700310, MONDO:0100294, OMIM 252011.
Pheochromocytoma/paraganglioma syndrome 5. Also called: SDHA-Related Hereditary Paraganglioma-Pheochromocytoma Syndrome; Paragangliomas 5. Identifiers: Orphanet 29072, MedGen C3279992, MONDO:0013602, OMIM 614165.
Hereditary cancer-predisposing syndrome. Also called: Neoplastic Syndromes, Hereditary; Hereditary Cancer Syndrome; Tumor predisposition; Hereditary neoplastic syndrome. Identifiers: Orphanet 140162, MedGen C0027672, MeSH D009386, MONDO:0015356.

Allele frequency attached by ClinVar (database versions not stated): gnomAD exomes below 0.00001; TOPMed below 0.00001; gnomAD 0.00001.

Submissions (2):

Ambry Genetics
Classification: Uncertain significance for Hereditary cancer-predisposing syndrome. Last evaluated: 2024-05-24. Review status: criteria provided, single submitter. Criteria: Ambry Variant Classification Scheme 2023. Collection method: clinical testing. Allele origin: germline.
Comment: The p.G229R variant (also known as c.685G>A), located in coding exon 6 of the SDHA gene, results from a G to A substitution at nucleotide position 685. The glycine at codon 229 is replaced by arginine, an amino acid with dissimilar properties. This amino acid position is conserved. In addition, this alteration is predicted to be deleterious by in silico analysis. Based on the available evidence, the clinical significance of this variant remains unclear.

Labcorp Genetics (formerly Invitae), Labcorp
Classification: Uncertain significance for Pheochromocytoma/paraganglioma syndrome 5; Mitochondrial complex II deficiency, nuclear type 1. Last evaluated: 2018-12-16. Review status: criteria provided, single submitter. Criteria: Invitae Variant Classification Sherloc (09022015). Collection method: clinical testing. Allele origin: germline.
Comment: Algorithms developed to predict the effect of missense changes on protein structure and function are either unavailable or do not agree on the potential impact of this missense change (SIFT: "Deleterious"; PolyPhen-2: "Not Available"; Align-GVGD: "Class C0"). In summary, the available evidence is currently insufficient to determine the role of this variant in disease. Therefore, it has been classified as a Variant of Uncertain Significance. This variant has not been reported in the literature in individuals with SDHA-related conditions. ClinVar contains an entry for this variant (Variation ID: 441034). This variant is not present in population databases (ExAC no frequency). This sequence change replaces glycine with arginine at codon 229 of the SDHA protein (p.Gly229Arg). The glycine residue is highly conserved and there is a moderate physicochemical difference between glycine and arginine.

NM_004168.4(SDHA):c.685G>A (p.Gly229Arg)

Gene: SDHA (succinate dehydrogenase complex flavoprotein subunit A; plus strand). Cytogenetic location: 5p15.33.
Variant type: single nucleotide variant.
Coding change: c.685G>A on transcript NM_004168.4 (MANE Select); coding-DNA position 685, G replaced by A.
Protein change: p.Gly229Arg; replaces glycine 229 with arginine.
Molecular consequence: missense variant.
Genome position (GRCh38, 1-based): chr5:228,248, G>A. VCF-style: chr5-228248-G-A. GRCh37 (hg19) VCF-style: chr5-228363-G-A.
Other names: c.685G>A (NM_004168.2); c.541G>A, p.Gly181Arg (NM_001294332.2); c.685G>A, p.Gly229Arg (NM_001330758.2); short protein forms G229R, G181R.
Identifiers: ClinVar variation 441034 (VCV000441034.8), dbSNP rs41495051, ClinGen allele CA112817402.